The following is an entry in ClinVar:

ClinVar aggregate classification (germline): Conflicting classifications of pathogenicity. Review status: criteria provided, conflicting classifications (1 of 4 stars). 12 submissions from 12 submitters: Uncertain significance (1); Benign (2); Likely benign (9). Last evaluated 2026-01-30.

Conditions:
Lymphangiomyomatosis (LAM). Also called: Lymphangioleiomyomatosis; Lymphangioleiomyomatosis, somatic. Identifiers: Orphanet 538, MedGen C0751674, MONDO:0011705, OMIM 606690.
Tuberous sclerosis 2 (TSC2). Identifiers: Orphanet 805, MedGen C1860707, MONDO:0013199, OMIM 613254.
Isolated focal cortical dysplasia type II (FCORD2). Also called: CORTICAL DYSPLASIA OF TAYLOR; Focal cortical dysplasia type II. Identifiers: Orphanet 268994, MedGen C1846385, MONDO:0011818, OMIM 607341, HP:0032051.
Tuberous sclerosis syndrome (TSC). Also called: Tuberous Sclerosis Complex; Tuberous sclerosis. Identifiers: Orphanet 805, MedGen C0041341, MONDO:0001734.
TSC2-related disorder. Also called: TSC2-Related Disorders; TSC2-related condition.
Hereditary cancer-predisposing syndrome. Also called: Tumor predisposition; Neoplastic Syndromes, Hereditary; Hereditary Cancer Syndrome; Hereditary neoplastic syndrome. Identifiers: Orphanet 140162, MedGen C0027672, MeSH D009386, MONDO:0015356.

Allele frequency attached by ClinVar (database versions not stated): gnomAD 0.00003; gnomAD exomes 0.00003 and 0.00004; ExAC 0.00005; TOPMed 0.00008; ESP Exome Variant Server 0.00023.
gnomAD v4.1: 43 of 1,613,972 alleles (0.0027%); highest among the groups gnomAD compares: East Asian, 0.0045%; no homozygotes.

Submissions (12):

Labcorp Genetics (formerly Invitae), Labcorp
Classification: Benign for Tuberous sclerosis 2. Last evaluated: 2026-01-30. Review status: criteria provided, single submitter. Criteria: Invitae Variant Classification Sherloc (09022015). Collection method: clinical testing. Allele origin: germline.

PreventionGenetics, part of Exact Sciences
Classification: Likely benign for TSC2-related condition. Last evaluated: 2026-01-09. Review status: criteria provided, single submitter. Criteria: ACMG Guidelines, 2015. Collection method: clinical testing. Allele origin: germline.
Comment: This variant is classified as likely benign based on ACMG/AMP sequence variant interpretation guidelines (Richards et al. 2015 PMID: 25741868, with internal and published modifications).

Myriad Genetics, Inc.
Classification: Likely benign for Tuberous sclerosis 2. Last evaluated: 2025-05-08. Review status: criteria provided, single submitter. Criteria: Myriad Autosomal Dominant, Autosomal Recessive and X-Linked Classification Criteria (2023). Collection method: clinical testing. Allele origin: unknown.
Comment: This variant is considered likely benign. This variant has been observed at a population frequency that is significantly greater than expected given the associated disease prevalence and penetrance.

CeGaT Center for Human Genetics Tuebingen
Classification: Likely benign. Last evaluated: 2024-09-01. Review status: criteria provided, single submitter. Criteria: CeGaT Center For Human Genetics Tuebingen Variant Classification Criteria Version 2. Collection method: clinical testing. Allele origin: germline. Affected: yes. Observed: 5 variant alleles.
Comment: TSC2: BP4, BS2

Quest Diagnostics Nichols Institute San Juan Capistrano
Classification: Uncertain significance. Last evaluated: 2024-08-16. Review status: criteria provided, single submitter. Criteria: Quest Diagnostics criteria. Collection method: clinical testing. Allele origin: unknown.

Blueprint Genetics
Classification: Likely benign. Last evaluated: 2023-03-07. Review status: criteria provided, single submitter. Criteria: ACMG Guidelines, 2015. Collection method: clinical testing. Allele origin: germline.

Color Diagnostics, LLC DBA Color Health
Classification: Likely benign for Tuberous sclerosis syndrome. Last evaluated: 2022-09-12. Review status: criteria provided, single submitter. Criteria: ACMG Guidelines, 2015. Collection method: clinical testing. Allele origin: germline.

Fulgent Genetics
Classification: Likely benign for Lymphangiomyomatosis; Isolated focal cortical dysplasia type II; Tuberous sclerosis 2. Last evaluated: 2022-02-16. Review status: criteria provided, single submitter. Criteria: ACMG Guidelines, 2015. Collection method: clinical testing. Allele origin: unknown.

Genome-Nilou Lab
Classification: Benign for Tuberous sclerosis 2. Last evaluated: 2021-11-07. Review status: criteria provided, single submitter. Criteria: ACMG Guidelines, 2015. Collection method: clinical testing. Allele origin: germline. Affected: no.

GeneDx
Classification: Likely benign. Last evaluated: 2021-06-06. Review status: criteria provided, single submitter. Criteria: GeneDx Variant Classification Process June 2021. Collection method: clinical testing. Allele origin: germline. Affected: yes.

Sema4
Classification: Likely benign for Hereditary cancer-predisposing syndrome. Last evaluated: 2021-05-25. Review status: criteria provided, single submitter. Criteria: Sema4 Curation Guidelines. Collection method: curation. Allele origin: germline.

Ambry Genetics
Classification: Likely benign for Hereditary cancer-predisposing syndrome. Last evaluated: 2018-09-21. Review status: criteria provided, single submitter. Criteria: Ambry Variant Classification Scheme 2023. Collection method: clinical testing. Allele origin: germline.

Literature cited by the submitters: PubMed 32917966 (cited by Quest Diagnostics Nichols Institute San Juan Capistrano).

NM_000548.5(TSC2):c.583A>G (p.Ile195Val)

Gene: TSC2 (TSC complex subunit 2; plus strand). Cytogenetic location: 16p13.3.
Variant type: single nucleotide variant.
Coding change: c.583A>G on transcript NM_000548.5 (MANE Select); coding-DNA position 583, A replaced by G.
Protein change: p.Ile195Val; replaces isoleucine 195 with valine.
Molecular consequence: missense variant. On other transcripts: intron variant (1).
Genome position (GRCh38, 1-based): chr16:2,055,503, A>G. VCF-style: chr16-2055503-A-G. GRCh37 (hg19) VCF-style: chr16-2105504-A-G.
Other names: p.I195V:ATC>GTC; c.583A>G, p.Ile195Val (NM_001077183.3, NM_001114382.3, NM_001363528.2 and 3 more transcripts); c.472A>G, p.Ile158Val (NM_001318827.2); c.436A>G, p.Ile146Val (NM_001318829.2); c.616A>G, p.Ile206Val (NM_001318832.2); c.-1-693A>G (NM_001318831.2); c.583A>G (NM_000548.4); short protein forms I195V, I158V, I146V, I206V.
Identifiers: ClinVar variation 207703 (VCV000207703.55), dbSNP rs148325559, ClinGen allele CA055442.